The following is an entry in ClinVar:

NM_133259.4(LRPPRC):c.605G>C (p.Arg202Thr)

Gene: LRPPRC (leucine rich pentatricopeptide repeat containing; minus strand). Cytogenetic location: 2p21.
Variant type: single nucleotide variant.
Coding change: c.605G>C on transcript NM_133259.4 (MANE Select); coding-DNA position 605, G replaced by C.
Protein change: p.Arg202Thr; replaces arginine 202 with threonine.
Molecular consequence: missense variant.
Genome position (GRCh38, 1-based): chr2:43,977,039, C>G on the plus strand (G>C on the coding strand, the complement: LRPPRC is on the minus strand). VCF-style: chr2-43977039-C-G. GRCh37 (hg19) VCF-style: chr2-44204178-C-G.
Other names: short protein forms R202T.
Identifiers: ClinVar variation 3384400 (VCV003384400.2).

ClinVar aggregate classification (germline): Uncertain significance (1 of 4 stars; one submission).

gnomAD v4.1: 1 of 1,613,388 alleles (0.000062%); highest among the groups gnomAD compares: African/African-American, 0.0013%; no homozygotes.

Submission:

GeneDx
Classification: Uncertain significance. Last evaluated: 2025-05-09. Review status: criteria provided, single submitter. Criteria: GeneDx Variant Classification Process June 2021. Collection method: clinical testing. Allele origin: germline.
Comment: Not observed at significant frequency in large population cohorts (gnomAD); In silico analysis supports that this missense variant has a deleterious effect on protein structure/function; Has not been previously published as pathogenic or benign to our knowledge